The following is an entry in ClinVar:

NM_001035.3(RYR2):c.6547G>A (p.Glu2183Lys)

Gene: RYR2 (ryanodine receptor 2; plus strand). Cytogenetic location: 1q43.
Variant type: single nucleotide variant.
Coding change: c.6547G>A on transcript NM_001035.3 (MANE Select); coding-DNA position 6547, G replaced by A.
Protein change: p.Glu2183Lys; replaces glutamic acid 2183 with lysine.
Molecular consequence: missense variant.
Genome position (GRCh38, 1-based): chr1:237,631,533, G>A. VCF-style: chr1-237631533-G-A. GRCh37 (hg19) VCF-style: chr1-237794833-G-A.
Other names: short protein forms E2183K.
Identifiers: ClinVar variation 3436568 (VCV003436568.1).
Genomic context (GRCh38, chr1:237,631,533, plus strand): 5'-AGGGCACTGGGGATGCACGAGACTGTGATGGAGGTCATGGTGAACGTCCTTGGAGGTGGA[G>A]AGTCCAAGGTAACGTCTTTGATTCCTGAGATGCTATTTAGTATCATCTCCTGGAGTATAT-3'
Protein context (NP_001026.2, residues 2173-2193): EVMVNVLGGG[Glu2183Lys]SKEITFPKMV

ClinVar aggregate classification (germline): Uncertain significance (1 of 4 stars; one submission).

Conditions:
Cardiovascular phenotype. Identifiers: MedGen CN230736.

gnomAD v4.1: 1 of 1,597,104 alleles (0.000063%); highest among the groups gnomAD compares: Non-Finnish European, 0.000086%; no homozygotes.

Submission:

Ambry Genetics
Classification: Uncertain significance for Cardiovascular phenotype. Last evaluated: 2024-07-25. Review status: criteria provided, single submitter. Criteria: Ambry Variant Classification Scheme 2023. Collection method: clinical testing. Allele origin: germline.
Comment: The p.E2183K variant (also known as c.6547G>A), located in coding exon 42 of the RYR2 gene, results from a G to A substitution at nucleotide position 6547. The glutamic acid at codon 2183 is replaced by lysine, an amino acid with similar properties. This amino acid position is well conserved in available vertebrate species. In addition, the in silico prediction for this alteration is inconclusive. Based on the available evidence, the clinical significance of this variant remains unclear.